The following is an entry in ClinVar:

ClinVar aggregate classification (germline): Uncertain significance (1 of 4 stars; one submission).

Conditions:
Inborn genetic diseases. Identifiers: MedGen C0950123, MeSH D030342.

Submission:

Ambry Genetics
Classification: Uncertain significance for Inborn genetic diseases. Last evaluated: 2025-10-05. Review status: criteria provided, single submitter. Criteria: Ambry Variant Classification Scheme 2023. Collection method: clinical testing. Allele origin: germline.
Comment: The p.R121G variant (also known as c.361A>G), located in coding exon 2 of the KDM1A gene, results from an A to G substitution at nucleotide position 361. The arginine at codon 121 is replaced by glycine, an amino acid with dissimilar properties. This amino acid position is conserved. In addition, this alteration is predicted to be tolerated by in silico analysis. Based on the available evidence, the clinical significance of this variant remains unclear.

NM_001009999.3(KDM1A):c.361A>G (p.Arg121Gly)

Gene: KDM1A (lysine demethylase 1A; plus strand). Cytogenetic location: 1p36.12.
Variant type: single nucleotide variant.
Coding change: c.361A>G on transcript NM_001009999.3 (MANE Select); coding-DNA position 361, A replaced by G.
Protein change: p.Arg121Gly; replaces arginine 121 with glycine.
Molecular consequence: missense variant.
Genome position (GRCh38, 1-based): chr1:23,030,478, A>G. VCF-style: chr1-23030478-A-G. GRCh37 (hg19) VCF-style: chr1-23356971-A-G.
Other names: c.361A>G, p.Arg121Gly (NM_001363654.2, NM_001410762.1, NM_001410763.1 and 1 more transcripts); short protein forms R121G.
Identifiers: ClinVar variation 4622664 (VCV004622664.1).